The following is an entry in ClinVar:

NM_002206.3(ITGA7):c.671-401C>T

Gene: ITGA7 (integrin subunit alpha 7; minus strand). Cytogenetic location: 12q13.2.
Variant type: single nucleotide variant.
Coding change: c.671-401C>T on transcript NM_002206.3 (MANE Select); 401 bases into the intron before coding-DNA position 671, C replaced by T.
Molecular consequence: intron variant. On other transcripts: missense variant (6).
Genome position (GRCh38, 1-based): chr12:55,700,390, G>A on the plus strand (C>T on the coding strand, the complement: ITGA7 is on the minus strand). VCF-style: chr12-55700390-G-A. GRCh37 (hg19) VCF-style: chr12-56094174-G-A.
Other names: c.674C>T (NM_001144996.1); c.671-401C>T (NM_001414031.1, NM_001374465.1, NM_001414034.1); c.674C>T, p.Thr225Met (NM_001144996.2, NM_001410977.1, NM_001414029.1 and 1 more transcripts); c.383C>T, p.Thr128Met (NM_001144997.2); c.335C>T, p.Thr112Met (NM_001367993.1); c.332-401C>T (NM_001414035.1); c.488-401C>T (NM_001414033.1); c.-503+509C>T (NM_001367994.1); and 1 more; short protein forms T112M, T128M, T225M.
Identifiers: ClinVar variation 2643063 (VCV002643063.25), dbSNP rs756277234, ClinGen allele CA6616251.

ClinVar aggregate classification (germline): Uncertain significance. Review status: criteria provided, multiple submitters, no conflicts (2 of 4 stars). 2 submissions from 2 submitters: Uncertain significance (2). Last evaluated 2025-02-26.

Conditions:
ITGA7-related disorder. Also called: ITGA7-related condition.

Allele frequency attached by ClinVar (database versions not stated): gnomAD 0.00005; gnomAD exomes 0.00005; TOPMed 0.00005; ExAC 0.00006.
gnomAD v4.1: 81 of 1,605,746 alleles (0.005%); highest among the groups gnomAD compares: Admixed American, 0.0069%; no homozygotes.

Submissions (2):

PreventionGenetics, part of Exact Sciences
Classification: Uncertain significance for ITGA7-related condition. Last evaluated: 2025-02-26. Review status: criteria provided, single submitter. Criteria: ACMG Guidelines, 2015. Collection method: clinical testing. Allele origin: germline.
Comment: The ITGA7 c.674C>T variant is predicted to result in the amino acid substitution p.Thr225Met. To our knowledge, this variant has not been reported in the literature. This variant is reported in 0.0060% of alleles in individuals of Latino descent in gnomAD. At this time, the clinical significance of this variant is uncertain due to the absence of conclusive functional and genetic evidence.

CeGaT Center for Human Genetics Tuebingen
Classification: Uncertain significance. Last evaluated: 2023-02-01. Review status: criteria provided, single submitter. Criteria: CeGaT Center For Human Genetics Tuebingen Variant Classification Criteria Version 2. Collection method: clinical testing. Allele origin: germline. Affected: yes. Observed: 1 variant allele.
Comment: ITGA7: PM2